The following is an entry in ClinVar:

ClinVar aggregate classification (germline): Uncertain significance (1 of 4 stars; one submission).

Submission:

Ambry Genetics
Classification: Uncertain significance. Last evaluated: 2026-09-09. Review status: criteria provided, single submitter. Criteria: Ambry Variant Classification Scheme 2023. Collection method: clinical testing. Allele origin: germline.
Comment: The p.F225S variant (also known as c.674T>C), located in coding exon 6 of the KIF1B gene, results from a T to C substitution at nucleotide position 674. The phenylalanine at codon 225 is replaced by serine, an amino acid with highly dissimilar properties. This amino acid position is conserved. In addition, this alteration is predicted to be deleterious by in silico analysis. Based on the available evidence, the clinical significance of this variant remains unclear.

NM_001365951.3(KIF1B):c.674T>C (p.Phe225Ser)

Gene: KIF1B (kinesin family member 1B; plus strand). Cytogenetic location: 1p36.22.
Variant type: single nucleotide variant.
Coding change: c.674T>C on transcript NM_001365951.3 (MANE Select); coding-DNA position 674, T replaced by C.
Protein change: p.Phe225Ser; replaces phenylalanine 225 with serine.
Molecular consequence: missense variant.
Genome position (GRCh38, 1-based): chr1:10,268,217, T>C. VCF-style: chr1-10268217-T-C. GRCh37 (hg19) VCF-style: chr1-10328275-T-C.
Other names: c.674T>C, p.Phe225Ser (NM_001365952.1, NM_001365953.1, NM_015074.3 and 1 more transcripts); short protein forms F225S.
Identifiers: ClinVar variation 5023238 (VCV005023238.1).